The following is an entry in ClinVar:

ClinVar aggregate classification (germline): Conflicting classifications of pathogenicity. Review status: criteria provided, conflicting classifications (1 of 4 stars). 2 submissions from 2 submitters: Uncertain significance (1); Likely benign (1). Last evaluated 2026-04-11.

Conditions:
SOX10-related disorder. Also called: SOX10-related condition.

gnomAD v4.1: 26 of 1,611,502 alleles (0.0016%); highest among the groups gnomAD compares: East Asian, 0.016%; no homozygotes.

Submissions (2):

PreventionGenetics, part of Exact Sciences
Classification: Likely benign for SOX10-related condition. Last evaluated: 2026-04-11. Review status: criteria provided, single submitter. Criteria: ACMG Guidelines, 2015. Collection method: clinical testing. Allele origin: germline.
Comment: This variant is classified as likely benign based on ACMG/AMP sequence variant interpretation guidelines (Richards et al. 2015 PMID: 25741868, with internal and published modifications).

Blueprint Genetics
Classification: Uncertain significance. Last evaluated: 2023-01-19. Review status: criteria provided, single submitter. Criteria: ACMG Guidelines, 2015. Collection method: clinical testing. Allele origin: germline.

NM_006941.4(SOX10):c.558C>T (p.Gly186=)

Genes: POLR2F (RNA polymerase II, I and III subunit F; plus strand), SOX10 (SRY-box transcription factor 10; minus strand). Cytogenetic location: 22q13.1.
Variant type: single nucleotide variant.
Coding change: c.558C>T on transcript NM_006941.4 (MANE Select); coding-DNA position 558, C replaced by T.
Protein change: p.Gly186=; no amino-acid change (glycine 186 retained).
Molecular consequence: synonymous variant. On other transcripts: intron variant (3).
Genome position (GRCh38, 1-based): chr22:37,978,006, G>A on the plus strand (C>T on the coding strand, the complement: SOX10 is on the minus strand). VCF-style: chr22-37978006-G-A. GRCh37 (hg19) VCF-style: chr22-38374013-G-A.
Other names: c.*38+5696G>A (NM_001363825.1); c.294-8148G>A (NM_001301130.2); c.293+10836G>A (NM_001301131.2).
Identifiers: ClinVar variation 4947879 (VCV004947879.2).
Genomic context (GRCh38, chr22:37,978,006, plus strand): 5'-GTGGGCCTGGATGGCGGCGGTCCCACCTTGCTCGGCCTCCCCACCGGGGCACTCCGCCTC[G>A]CCCTGGGCGGCCTTCCCGTTCTTCCGCCGCCTGGGCTGGTACTTGTAGTCCGGGTGGTCT-3'
Protein context (NP_008872.1, residues 176-196): RRRKNGKAAQ[Gly186=]EAECPGGEAE